The following is an entry in ClinVar:

ClinVar aggregate classification (germline): Conflicting classifications of pathogenicity. Review status: criteria provided, conflicting classifications (1 of 4 stars). 3 submissions from 3 submitters: Likely pathogenic (2); Uncertain significance (1). Last evaluated 2026-02-03.

Conditions:
Early-infantile DEE. Also called: Early infantile epileptic encephalopathy; Early infantile epileptic encephalopathy with suppression bursts; Ohtahara syndrome. Identifiers: Orphanet 1934, MedGen C0393706, MONDO:0800491.

Submissions (3):

GeneDx
Classification: Likely pathogenic. Last evaluated: 2026-02-03. Review status: criteria provided, single submitter. Criteria: GeneDx Variant Classification Process June 2021. Collection method: clinical testing. Allele origin: germline.
Comment: Canonical splice site variant predicted to result in an in-frame loss of the adjacent exon in a gene for which loss of function is a known mechanism of disease; Not observed at significant frequency in large population cohorts (gnomAD); Has not been previously published as pathogenic or benign to our knowledge

Labcorp Genetics (formerly Invitae), Labcorp
Classification: Likely pathogenic for Early-infantile DEE. Last evaluated: 2022-09-17. Review status: criteria provided, single submitter. Criteria: Invitae Variant Classification Sherloc (09022015). Collection method: clinical testing. Allele origin: germline.
Comment: This sequence change affects a donor splice site in intron 3 of the SPTAN1 gene. It is expected to disrupt RNA splicing. Variants that disrupt the donor or acceptor splice site typically lead to a loss of protein function (PMID: 16199547), and loss-of-function variants in SPTAN1 are known to be pathogenic (PMID: 31332438, 33206935). In summary, the currently available evidence indicates that the variant is pathogenic, but additional data are needed to prove that conclusively. Therefore, this variant has been classified as Likely Pathogenic. Algorithms developed to predict the effect of sequence changes on RNA splicing suggest that this variant may disrupt the consensus splice site. ClinVar contains an entry for this variant (Variation ID: 436850). This variant has not been reported in the literature in individuals affected with SPTAN1-related conditions. This variant is not present in population databases (gnomAD no frequency).

Genetic Services Laboratory, University of Chicago
Classification: Uncertain significance. Last evaluated: 2017-03-28. Review status: criteria provided, single submitter. Criteria: ACMG Guidelines, 2015. Collection method: clinical testing. Allele origin: germline. Affected: no.

Literature cited by the submitters: PubMed 16199547 (cited by Labcorp Genetics (formerly Invitae), Labcorp); PubMed 31332438 (cited by Labcorp Genetics (formerly Invitae), Labcorp); PubMed 33206935 (cited by Labcorp Genetics (formerly Invitae), Labcorp).

NM_001130438.3(SPTAN1):c.363+1G>A

Gene: SPTAN1 (spectrin alpha, non-erythrocytic 1; plus strand). Cytogenetic location: 9q34.11.
Variant type: single nucleotide variant.
Coding change: c.363+1G>A on transcript NM_001130438.3 (MANE Select); the canonical splice donor site of the intron after coding-DNA position 363, G replaced by A.
Molecular consequence: splice donor variant.
Genome position (GRCh38, 1-based): chr9:128,568,898, G>A. VCF-style: chr9-128568898-G-A. GRCh37 (hg19) VCF-style: chr9-131331177-G-A.
Other names: c.399+1G>A (NM_001375318.1, NM_001375312.2); c.363+1G>A (NM_001375311.2, NM_001375314.2, NM_001375310.1 and 5 more transcripts).
Identifiers: ClinVar variation 436850 (VCV000436850.11), dbSNP rs1554737064, ClinGen allele CA375051352.